The following is an entry in ClinVar:

NM_001283009.2(RTEL1):c.2924G>A (p.Gly975Asp)

Genes: RTEL1 (regulator of telomere elongation helicase 1; plus strand), RTEL1-TNFRSF6B (RTEL1-TNFRSF6B readthrough (NMD candidate); plus strand). Cytogenetic location: 20q13.33.
Variant type: single nucleotide variant.
Coding change: c.2924G>A on transcript NM_001283009.2 (MANE Select); coding-DNA position 2924, G replaced by A.
Protein change: p.Gly975Asp; replaces glycine 975 with aspartic acid.
Molecular consequence: missense variant. On other transcripts: non-coding transcript variant (1).
Genome position (GRCh38, 1-based): chr20:63,693,215, G>A. VCF-style: chr20-63693215-G-A. GRCh37 (hg19) VCF-style: chr20-62324568-G-A.
Other names: c.2255G>A, p.Gly752Asp (NM_001283010.1); c.2924G>A, p.Gly975Asp (NM_016434.4); c.2996G>A, p.Gly999Asp (NM_032957.5); short protein forms G752D, G975D, G999D.
Identifiers: ClinVar variation 1704373 (VCV001704373.2), dbSNP rs757725471, ClinGen allele CA409683314.
Genomic context (GRCh38, chr20:63,693,215, plus strand): 5'-TTGTGCGGCCCCACCATAAGCAGCAGTTTGAGGAGGTCTGTATCCAGCTGACAGGACGAG[G>A]CTGTGGCTATCGGCCTGAGCACAGCATTCCCCGAAGGCAGCGGGCACAGCCGGTCCTGGA-3'
Protein context (NP_001269938.1, residues 965-985): EEVCIQLTGR[Gly975Asp]CGYRPEHSIP

ClinVar aggregate classification (germline): Uncertain significance. Review status: criteria provided, multiple submitters, no conflicts (2 of 4 stars). 2 submissions from 2 submitters: Uncertain significance (2). Last evaluated 2025-01-10.

Conditions:
Inborn genetic diseases. Identifiers: MedGen C0950123, MeSH D030342.
Pulmonary fibrosis and/or bone marrow failure, Telomere-related, 3. Also called: PULMONARY FIBROSIS AND/OR BONE MARROW FAILURE SYNDROME, TELOMERE-RELATED, 3. Identifiers: Orphanet 2032, MedGen C4225346, MONDO:0014613, OMIM 616373.

Allele frequency attached by ClinVar (database versions not stated): TOPMed 0.00001.

Submissions (2):

Ambry Genetics
Classification: Uncertain significance for Inborn genetic diseases. Last evaluated: 2025-01-10. Review status: criteria provided, single submitter. Criteria: Ambry Variant Classification Scheme 2023. Collection method: clinical testing. Allele origin: germline.
Comment: The p.G975D variant (also known as c.2924G>A), located in coding exon 29 of the RTEL1 gene, results from a G to A substitution at nucleotide position 2924. The glycine at codon 975 is replaced by aspartic acid, an amino acid with similar properties. This amino acid position is conserved. In addition, this alteration is predicted to be tolerated by in silico analysis. Based on the available evidence, the clinical significance of this variant remains unclear.

Johns Hopkins Genomics, Johns Hopkins University
Classification: Uncertain significance for Pulmonary fibrosis and/or bone marrow failure, Telomere-related, 3. Last evaluated: 2022-03-19. Review status: criteria provided, single submitter. Criteria: ACMG Guidelines, 2015. Collection method: clinical testing. Allele origin: germline.
Comment: This RTEL1 variant is absent from a large population dataset and has not been reported in ClinVar nor the literature, to our knowledge. Of three bioinformatics tools queried, two predict that the substitution would be damaging, while one predicts that it would be tolerated. The glycine residue at this position is evolutionarily conserved across many of the species assessed, and aspartic acid at this codon is present in two species. We consider the clinical significance of RTEL1 c.2924G>A to be uncertain at this time.